The following is an entry in ClinVar:

ClinVar aggregate classification (germline): Likely benign. Review status: criteria provided, single submitter (1 of 4 stars). 2 submissions from 2 submitters: Likely benign (1). 1 of the submissions does not count toward it. Last evaluated 2024-01-01.

Conditions:
NUP210-related disorder. Also called: NUP210-related condition.

Allele frequency attached by ClinVar (database versions not stated): 1000 Genomes Project 0.00100; 1000 Genomes Project 30x 0.00109; ESP Exome Variant Server 0.00292.
gnomAD v4.1: 4,930 of 1,596,368 alleles (0.31%); highest among the groups gnomAD compares: Non-Finnish European, 0.39%; 9 homozygotes.

Submissions (10):

CeGaT Center for Human Genetics Tuebingen
Classification: Likely benign. Last evaluated: 2024-01-01. Review status: criteria provided, single submitter. Criteria: CeGaT Center For Human Genetics Tuebingen Variant Classification Criteria Version 2. Collection method: clinical testing. Allele origin: germline. Affected: yes. Observed: 1 variant allele.
Comment: NUP210: BP4, BP7

PreventionGenetics, part of Exact Sciences
Classification: Likely benign for NUP210-related condition. Last evaluated: 2020-07-01. Review status: no assertion criteria provided. Collection method: clinical testing. Allele origin: germline. Not counted in ClinVar's aggregate classification.
Comment: This variant is classified as likely benign based on ACMG/AMP sequence variant interpretation guidelines (Richards et al. 2015 PMID: 25741868, with internal and published modifications).

Dr. Peter K. Rogan Lab, Western University
No classification provided (evidence only). Condition: Lung cancer. Review status: no classification provided. Collection method: in vitro. Allele origin: not applicable. Functional consequence: retained intron. Not counted in ClinVar's aggregate classification.

Dr. Peter K. Rogan Lab, Western University
No classification provided (evidence only). Condition: Melanoma. Review status: no classification provided. Collection method: in vitro. Allele origin: not applicable. Functional consequence: retained intron. Not counted in ClinVar's aggregate classification.

Dr. Peter K. Rogan Lab, Western University
No classification provided (evidence only). Condition: Melanoma. Review status: no classification provided. Collection method: in vitro. Allele origin: not applicable. Functional consequence: retained intron. Not counted in ClinVar's aggregate classification.

Dr. Peter K. Rogan Lab, Western University
No classification provided (evidence only). Condition: Acute myeloid leukemia. Review status: no classification provided. Collection method: in vitro. Allele origin: not applicable. Functional consequence: retained intron. Not counted in ClinVar's aggregate classification.

Dr. Peter K. Rogan Lab, Western University
No classification provided (evidence only). Condition: Uterine corpus endometrial carcinoma. Review status: no classification provided. Collection method: in vitro. Allele origin: not applicable. Functional consequence: retained intron. Not counted in ClinVar's aggregate classification.

Dr. Peter K. Rogan Lab, Western University
No classification provided (evidence only). Condition: Cervical cancer. Review status: no classification provided. Collection method: in vitro. Allele origin: not applicable. Functional consequence: retained intron. Not counted in ClinVar's aggregate classification.

Dr. Peter K. Rogan Lab, Western University
No classification provided (evidence only). Condition: Cervical cancer. Review status: no classification provided. Collection method: in vitro. Allele origin: not applicable. Functional consequence: retained intron. Not counted in ClinVar's aggregate classification.

Dr. Peter K. Rogan Lab, Western University
No classification provided (evidence only). Condition: Malignant tumor of esophagus. Review status: no classification provided. Collection method: in vitro. Allele origin: not applicable. Functional consequence: skipped exon, retained intron. Not counted in ClinVar's aggregate classification.

NM_024923.4(NUP210):c.1626G>C (p.Pro542=)

Gene: NUP210 (nucleoporin 210; minus strand). Cytogenetic location: 3p25.1.
Variant type: single nucleotide variant.
Coding change: c.1626G>C on transcript NM_024923.4 (MANE Select); coding-DNA position 1626, G replaced by C.
Protein change: p.Pro542=; no amino-acid change (proline 542 retained).
Molecular consequence: synonymous variant.
Genome position (GRCh38, 1-based): chr3:13,371,994, C>G on the plus strand (G>C on the coding strand, the complement: NUP210 is on the minus strand). VCF-style: chr3-13371994-C-G. GRCh37 (hg19) VCF-style: chr3-13413494-C-G.
Other names: NC_000003.11:g.13413494C>G; c.1626G>C (NM_024923.3).
Identifiers: ClinVar variation 3024806 (VCV003024806.24), dbSNP rs74681769, ClinGen allele CA2264114.